The following is an entry in ClinVar:

ClinVar aggregate classification (germline): Likely benign. Review status: criteria provided, multiple submitters, no conflicts (2 of 4 stars). 3 submissions from 3 submitters: Likely benign (2). 1 of the submissions does not count toward it. Last evaluated 2025-11-03.

Conditions:
Hereditary cancer-predisposing syndrome. Also called: Hereditary neoplastic syndrome; Neoplastic Syndromes, Hereditary; Tumor predisposition; Hereditary Cancer Syndrome. Identifiers: Orphanet 140162, MedGen C0027672, MeSH D009386, MONDO:0015356.
Gorlin syndrome. Also called: Nevoid Basal Cell Carcinoma Syndrome; Basal cell nevus syndrome. Identifiers: Orphanet 377, MedGen C0004779, MONDO:0007187.
PTCH1-related disorder. Also called: PTCH1-related disorders; PTCH1-related condition.

Allele frequency attached by ClinVar (database versions not stated): gnomAD exomes 0.00001; ExAC 0.00002; TOPMed 0.00009; gnomAD 0.00010 and 0.00012.
gnomAD v4.1: 32 of 1,614,092 alleles (0.002%); highest among the groups gnomAD compares: African/African-American, 0.037%; no homozygotes.

Submissions (3):

Labcorp Genetics (formerly Invitae), Labcorp
Classification: Likely benign for Gorlin syndrome. Last evaluated: 2025-11-03. Review status: criteria provided, single submitter. Criteria: Invitae Variant Classification Sherloc (09022015). Collection method: clinical testing. Allele origin: germline.

Ambry Genetics
Classification: Likely benign for Hereditary cancer-predisposing syndrome. Last evaluated: 2017-02-22. Review status: criteria provided, single submitter. Criteria: Ambry Variant Classification Scheme 2023. Collection method: clinical testing. Allele origin: germline.

PreventionGenetics, part of Exact Sciences
Classification: Likely benign for PTCH1-related condition. Last evaluated: 2021-10-29. Review status: no assertion criteria provided. Collection method: clinical testing. Allele origin: germline. Not counted in ClinVar's aggregate classification.
Comment: This variant is classified as likely benign based on ACMG/AMP sequence variant interpretation guidelines (Richards et al. 2015 PMID: 25741868, with internal and published modifications).

NM_000264.5(PTCH1):c.3027C>T (p.Tyr1009=)

Gene: PTCH1 (patched 1; minus strand). Cytogenetic location: 9q22.32.
Variant type: single nucleotide variant.
Coding change: c.3027C>T on transcript NM_000264.5 (MANE Select); coding-DNA position 3027, C replaced by T.
Protein change: p.Tyr1009=; no amino-acid change (tyrosine 1009 retained).
Molecular consequence: synonymous variant. On other transcripts: non-coding transcript variant (1).
Genome position (GRCh38, 1-based): chr9:95,458,154, G>A on the plus strand (C>T on the coding strand, the complement: PTCH1 is on the minus strand). VCF-style: chr9-95458154-G-A. GRCh37 (hg19) VCF-style: chr9-98220436-G-A.
Other names: c.2829C>T, p.Tyr943= (NM_001083602.3); c.3024C>T, p.Tyr1008= (NM_001083603.3); c.2574C>T, p.Tyr858= (NM_001083604.3, NM_001083605.3, NM_001083606.3 and 1 more transcripts); c.2871C>T, p.Tyr957= (NM_001354918.2).
Identifiers: ClinVar variation 480958 (VCV000480958.18), dbSNP rs747234651, ClinGen allele CA5138268.
Genomic context (GRCh38, chr9:95,458,154, plus strand): 5'-CAGCAGCCAGTGGCGGAGGCCGATGTACTGCTCCCAGAAGAGGAAGGGGTAGCCGTTGGG[G>A]TAACTGGACAGCCCCAGGCTCGTATAGTTGCTGCAGATGGTCCTTACTTTTTCAATTGCC-3'
Protein context (NP_000255.2, residues 999-1019): SNYTSLGLSS[Tyr1009=]PNGYPFLFWE